The following is an entry in ClinVar:

ClinVar aggregate classification (germline): Pathogenic. Review status: criteria provided, multiple submitters, no conflicts (2 of 4 stars). 2 submissions from 2 submitters: Pathogenic (2). Last evaluated 2025-11-17.

Conditions:
Autosomal dominant polycystic liver disease. Also called: Polycystic liver disease; Congenital cystic disease of liver. Identifiers: Orphanet 2924, MedGen C0158683, MONDO:0000447, HP:0006557.

Allele frequency attached by ClinVar (database versions not stated): gnomAD 0.00001.

Submissions (2):

Labcorp Genetics (formerly Invitae), Labcorp
Classification: Pathogenic. Last evaluated: 2025-11-17. Review status: criteria provided, single submitter. Criteria: Invitae Variant Classification Sherloc (09022015). Collection method: clinical testing. Allele origin: germline.
Comment: This sequence change creates a premature translational stop signal (p.Trp58*) in the SEC63 gene. It is expected to result in an absent or disrupted protein product. Loss-of-function variants in SEC63 are known to be pathogenic (PMID: 20095989, 28375157). This variant is not present in population databases (gnomAD no frequency). This variant has not been reported in the literature in individuals affected with SEC63-related conditions. ClinVar contains an entry for this variant (Variation ID: 1068902). For these reasons, this variant has been classified as Pathogenic.

Department of Pathology and Laboratory Medicine, Sinai Health System
Classification: Pathogenic for Autosomal dominant polycystic liver disease. Last evaluated: 2023-09-09. Review status: criteria provided, single submitter. Criteria: ACMG Guidelines, 2015. Collection method: research. Allele origin: germline.

Literature cited by the submitters: PubMed 20095989 (cited by Labcorp Genetics (formerly Invitae), Labcorp); PubMed 28375157 (cited by Labcorp Genetics (formerly Invitae), Labcorp).

NM_007214.5(SEC63):c.174G>A (p.Trp58Ter)

Gene: SEC63 (SEC63 protein translocation regulator; minus strand). Cytogenetic location: 6q21.
Variant type: single nucleotide variant.
Coding change: c.174G>A on transcript NM_007214.5 (MANE Select); coding-DNA position 174, G replaced by A.
Protein change: p.Trp58Ter; replaces tryptophan 58 with a stop codon.
Molecular consequence: nonsense.
Genome position (GRCh38, 1-based): chr6:107,929,465, C>T on the plus strand (G>A on the coding strand, the complement: SEC63 is on the minus strand). VCF-style: chr6-107929465-C-T. GRCh37 (hg19) VCF-style: chr6-108250669-C-T.
Other names: short protein forms W58*.
Identifiers: ClinVar variation 1068902 (VCV001068902.8), dbSNP rs1787750092, ClinGen allele CA365189817.